The following is an entry in ClinVar:

ClinVar aggregate classification (germline): Pathogenic (1 of 4 stars; one submission).

Submission:

Labcorp Genetics (formerly Invitae), Labcorp
Classification: Pathogenic. Last evaluated: 2023-09-13. Review status: criteria provided, single submitter. Criteria: Invitae Variant Classification Sherloc (09022015). Collection method: clinical testing. Allele origin: germline.
Comment: This variant is not present in population databases (gnomAD no frequency). For these reasons, this variant has been classified as Pathogenic. This variant has not been reported in the literature in individuals affected with SLC12A3-related conditions. This sequence change creates a premature translational stop signal (p.Glu131Argfs*12) in the SLC12A3 gene. It is expected to result in an absent or disrupted protein product. Loss-of-function variants in SLC12A3 are known to be pathogenic (PMID: 20848653, 22009145, 25841442).

Literature cited by the submitters: PubMed 20848653; PubMed 22009145; PubMed 25841442.

NM_001126108.2(SLC12A3):c.390del (p.Glu131fs)

Gene: SLC12A3 (solute carrier family 12 member 3; plus strand). Cytogenetic location: 16q13.
Variant type: Deletion.
Coding change: c.390del on transcript NM_001126108.2 (MANE Select); coding-DNA position 390, one base deleted (C; older notation c.390delC).
Protein change: p.Glu131fs; shifts the reading frame from glutamic acid 131.
Molecular consequence: frameshift variant.
Genome position (GRCh38, 1-based): chr16:56,867,177, C deleted; the last of 4 consecutive C bases (chr16:56,867,174-56,867,177); deleting any one gives the same sequence. VCF-style (leftmost placement, unchanged base first): chr16-56867173-AC-A. GRCh37 (hg19) VCF-style: chr16-56901085-AC-A.
Other names: c.390del, p.Glu131fs (NM_000339.3); c.387del, p.Glu130fs (NM_001126107.2, NM_001410896.1); short protein forms E130fs, E131fs.
Identifiers: ClinVar variation 2832769 (VCV002832769.3), dbSNP rs2543473106, ClinGen allele CA2739266772.
Genomic context (GRCh38, chr16:56,867,173, plus strand): 5'-CCAGCCACGAGATGACTGATGGGCTGGTGGAGGGCGAGGCAGGCACCAGCAGCGAGAAGA[AC>A]CCCGAGGAGCCAGTGCGCTTCGGCTGGGTCAAGGGGGTGATGGTGAGTGGGGTGTGGGTG-3'